The following is an entry in ClinVar:

NM_022836.4(DCLRE1B):c.41A>G (p.Asp14Gly)

Gene: DCLRE1B (DNA cross-link repair 1B; plus strand). Cytogenetic location: 1p13.2.
Variant type: single nucleotide variant.
Coding change: c.41A>G on transcript NM_022836.4 (MANE Select); coding-DNA position 41, A replaced by G.
Protein change: p.Asp14Gly; replaces aspartic acid 14 with glycine.
Molecular consequence: missense variant. On other transcripts: 5 prime UTR variant (3).
Genome position (GRCh38, 1-based): chr1:113,905,627, A>G. VCF-style: chr1-113905627-A-G. GRCh37 (hg19) VCF-style: chr1-114448249-A-G.
Other names: c.-172A>G (NM_001319946.2, NM_001319947.2, NM_001363691.2); c.41A>G, p.Asp14Gly (NM_001363690.2); short protein forms D14G.
Identifiers: ClinVar variation 947947 (VCV000947947.1), dbSNP rs1333588223, ClinGen allele CA341694889.
Genomic context (GRCh38, chr1:113,905,627, plus strand): 5'-GTGACTCCAACCCTACCACCATGAATGGGGTCCTGATCCCCCATACGCCCATCGCAGTGG[A>G]CTTCTGGAGCCTGCGCCGGGCTGGCACCGCACGTCTCTTCTTCTTGTCTCACATGCACTC-3'
Protein context (NP_073747.1, residues 4-24): VLIPHTPIAV[Asp14Gly]FWSLRRAGTA

ClinVar aggregate classification (germline): Uncertain significance (1 of 4 stars; one submission).

Conditions:
Hoyeraal-Hreidarsson syndrome (HHS). Also called: CEREBELLAR HYPOPLASIA WITH PANCYTOPENIA. Identifiers: Orphanet 3322, MedGen C1846142, MONDO:0018045.
Autosomal recessive dyskeratosis congenita. Identifiers: MedGen C3502105.

Allele frequency attached by ClinVar (database versions not stated): gnomAD exomes below 0.00001.
gnomAD v4.1: 2 of 1,614,052 alleles (0.00012%); no homozygotes.

Submission:

Labcorp Genetics (formerly Invitae), Labcorp
Classification: Uncertain significance for Hoyeraal-Hreidarsson syndrome; Autosomal recessive dyskeratosis congenita. Last evaluated: 2019-04-12. Review status: criteria provided, single submitter. Criteria: Invitae Variant Classification Sherloc (09022015). Collection method: clinical testing. Allele origin: germline.
Comment: This sequence change replaces aspartic acid with glycine at codon 14 of the DCLRE1B protein (p.Asp14Gly). The aspartic acid residue is highly conserved and there is a moderate physicochemical difference between aspartic acid and glycine. This variant is not present in population databases (ExAC no frequency). This variant has not been reported in the literature in individuals with DCLRE1B-related conditions. Algorithms developed to predict the effect of missense changes on protein structure and function (SIFT, PolyPhen-2, Align-GVGD) all suggest that this variant is likely to be disruptive, but these predictions have not been confirmed by published functional studies and their clinical significance is uncertain. In summary, the available evidence is currently insufficient to determine the role of this variant in disease. Therefore, it has been classified as a Variant of Uncertain Significance.